The following is an entry in ClinVar:

ClinVar aggregate classification (germline): Uncertain significance. Review status: criteria provided, single submitter (1 of 4 stars). 2 submissions from 2 submitters: Uncertain significance (1). 1 of the submissions does not count toward it. Last evaluated 2022-08-16.

Conditions:
Rhizomelic chondrodysplasia punctata (RCDP). Identifiers: Orphanet 177, MedGen C0282529, MONDO:0015776. Disease mechanism: loss of function.
Peroxisome biogenesis disorder 9B. Also called: PEX7-Related Refsum Disease; Refsum disease, adult, 2; PEROXISOME BIOGENESIS DISORDER, PEX7-RELATED, ATYPICAL. Identifiers: Orphanet 773, MedGen C2749346, MONDO:0013945, OMIM 614879.

Allele frequency attached by ClinVar (database versions not stated): gnomAD exomes below 0.00001; TOPMed below 0.00001.
gnomAD v4.1: 3 of 1,528,338 alleles (0.0002%); highest among the groups gnomAD compares: South Asian, 0.0034%; no homozygotes.

Submissions (2):

Labcorp Genetics (formerly Invitae), Labcorp
Classification: Uncertain significance for Peroxisome biogenesis disorder 9B. Last evaluated: 2022-08-16. Review status: criteria provided, single submitter. Criteria: Invitae Variant Classification Sherloc (09022015). Collection method: clinical testing. Allele origin: germline.
Comment: This variant is not present in population databases (gnomAD no frequency). This sequence change falls in intron 7 of the PEX7 gene. It does not directly change the encoded amino acid sequence of the PEX7 protein. It affects a nucleotide within the consensus splice site. This variant has not been reported in the literature in individuals affected with PEX7-related conditions. In summary, the available evidence is currently insufficient to determine the role of this variant in disease. Therefore, it has been classified as a Variant of Uncertain Significance. Variants that disrupt the consensus splice site are a relatively common cause of aberrant splicing (PMID: 17576681, 9536098). Algorithms developed to predict the effect of sequence changes on RNA splicing suggest that this variant may disrupt the consensus splice site.

Natera, Inc.
Classification: Uncertain significance for Rhizomelic Chondrodysplasia Punctata. Last evaluated: 2025-04-20. Review status: no assertion criteria provided. Collection method: clinical testing. Allele origin: germline. Not counted in ClinVar's aggregate classification.

Literature cited by the submitters: PubMed 17576681 (cited by Labcorp Genetics (formerly Invitae), Labcorp); PubMed 9536098 (cited by Labcorp Genetics (formerly Invitae), Labcorp).

NM_000288.4(PEX7):c.747+5G>A

Gene: PEX7 (peroxisomal biogenesis factor 7; plus strand). Cytogenetic location: 6q23.3.
Variant type: single nucleotide variant.
Coding change: c.747+5G>A on transcript NM_000288.4 (MANE Select); 5 bases into the intron after coding-DNA position 747, G replaced by A.
Molecular consequence: intron variant.
Genome position (GRCh38, 1-based): chr6:136,870,008, G>A. VCF-style: chr6-136870008-G-A. GRCh37 (hg19) VCF-style: chr6-137191146-G-A.
Other names: c.747+5G>A (NM_000288.3).
Identifiers: ClinVar variation 1353002 (VCV001353002.6), dbSNP rs1775145774, ClinGen allele CA2573140584.